The following is an entry in ClinVar:

NM_020732.3:c.2983C>T

Gene: ARID1B (AT-rich interaction domain 1B; plus strand).
Variant type: single nucleotide variant.
Other names: c.2983C>T (NM_020732.3).
Identifiers: ClinVar variation 4077315 (VCV004077315.1).

ClinVar aggregate classification (germline): Uncertain significance (1 of 4 stars; one submission).

Submission:

GeneDx
Classification: Uncertain significance. Last evaluated: 2025-02-26. Review status: criteria provided, single submitter. Criteria: GeneDx Variant Classification Process June 2021. Collection method: clinical testing. Allele origin: germline. Affected: yes.
Comment: Not observed at significant frequency in large population cohorts (gnomAD); In silico analysis supports that this missense variant has a deleterious effect on protein structure/function; Has not been previously published as pathogenic or benign to our knowledge